The following is an entry in ClinVar:

NM_002335.4(LRP5):c.4670G>A (p.Trp1557Ter)

Gene: LRP5 (LDL receptor related protein 5; plus strand). Cytogenetic location: 11q13.2.
Variant type: single nucleotide variant.
Coding change: c.4670G>A on transcript NM_002335.4 (MANE Select); coding-DNA position 4670, G replaced by A.
Protein change: p.Trp1557Ter; replaces tryptophan 1557 with a stop codon.
Molecular consequence: nonsense.
Genome position (GRCh38, 1-based): chr11:68,448,892, G>A. VCF-style: chr11-68448892-G-A. GRCh37 (hg19) VCF-style: chr11-68216360-G-A.
Other names: c.2927G>A, p.Trp976Ter (NM_001291902.2); short protein forms W976*, W1557*.
Identifiers: ClinVar variation 1353581 (VCV001353581.1), dbSNP rs2153185865, ClinGen allele CA381618142.

ClinVar aggregate classification (germline): Pathogenic (1 of 4 stars; one submission).

Submission:

Labcorp Genetics (formerly Invitae), Labcorp
Classification: Pathogenic. Last evaluated: 2021-07-28. Review status: criteria provided, single submitter. Criteria: Invitae Variant Classification Sherloc (09022015). Collection method: clinical testing. Allele origin: germline.
Comment: This sequence change creates a premature translational stop signal (p.Trp1557*) in the LRP5 gene. While this is not anticipated to result in nonsense mediated decay, it is expected to disrupt the last 59 amino acid(s) of the LRP5 protein. This variant is not present in population databases (ExAC no frequency). This variant has not been reported in the literature in individuals affected with LRP5-related conditions. This variant disrupts a region of the LRP5 protein in which other variant(s) (p.Glu1597*) have been determined to be pathogenic (PMID: 30283887, 31106028; Invitae). This suggests that this is a clinically significant region of the protein, and that variants that disrupt it are likely to be disease-causing. For these reasons, this variant has been classified as Pathogenic.

Literature cited by the submitters: PubMed 30283887; PubMed 31106028.